The following is an entry in ClinVar:

NM_002103.5(GYS1):c.1018G>A (p.Asp340Asn)

Gene: GYS1 (glycogen synthase 1; minus strand). Cytogenetic location: 19q13.33.
Variant type: single nucleotide variant.
Coding change: c.1018G>A on transcript NM_002103.5 (MANE Select); coding-DNA position 1018, G replaced by A.
Protein change: p.Asp340Asn; replaces aspartic acid 340 with asparagine.
Molecular consequence: missense variant. On other transcripts: non-coding transcript variant (1).
Genome position (GRCh38, 1-based): chr19:48,982,299, C>T on the plus strand (G>A on the coding strand, the complement: GYS1 is on the minus strand). VCF-style: chr19-48982299-C-T. GRCh37 (hg19) VCF-style: chr19-49485556-C-T.
Other names: c.826G>A, p.Asp276Asn (NM_001161587.2); short protein forms D340N, D276N.
Identifiers: ClinVar variation 2172190 (VCV002172190.4), dbSNP rs773246468, ClinGen allele CA309395798.

ClinVar aggregate classification (germline): Uncertain significance (1 of 4 stars; one submission).

Conditions:
Glycogen storage disease due to muscle and heart glycogen synthase deficiency. Also called: GSD 0b; MUSCLE GLYCOGEN SYNTHASE DEFICIENCY. Identifiers: Orphanet 137625, MedGen C1969054, MONDO:0012693, OMIM 611556.

Allele frequency attached by ClinVar (database versions not stated): gnomAD exomes 0.00001.
gnomAD v4.1: 3 of 1,613,886 alleles (0.00019%); highest among the groups gnomAD compares: Admixed American, 0.0017%; no homozygotes.

Submission:

Labcorp Genetics (formerly Invitae), Labcorp
Classification: Uncertain significance for Glycogen storage disease due to muscle and heart glycogen synthase deficiency. Last evaluated: 2022-07-12. Review status: criteria provided, single submitter. Criteria: Invitae Variant Classification Sherloc (09022015). Collection method: clinical testing. Allele origin: germline.
Comment: This sequence change replaces aspartic acid, which is acidic and polar, with asparagine, which is neutral and polar, at codon 340 of the GYS1 protein (p.Asp340Asn). This variant is not present in population databases (gnomAD no frequency). This variant has not been reported in the literature in individuals affected with GYS1-related conditions. Algorithms developed to predict the effect of missense changes on protein structure and function are either unavailable or do not agree on the potential impact of this missense change (SIFT: "Deleterious"; PolyPhen-2: "Possibly Damaging"; Align-GVGD: "Class C0"). In summary, the available evidence is currently insufficient to determine the role of this variant in disease. Therefore, it has been classified as a Variant of Uncertain Significance.